The following is an entry in ClinVar:

ClinVar aggregate classification (germline): Uncertain significance (1 of 4 stars; one submission).

Conditions:
Paget disease of bone 2, early-onset (PDB2). Also called: Paget disease of bone 2. Identifiers: MedGen C4085251, MONDO:0011183, OMIM 602080.
Frontotemporal dementia and/or amyotrophic lateral sclerosis 1 (FTDALS1). Also called: Frontotemporal dementia with motor neuron disease 1; C9orf72 Frontotemporal Dementia and/or Amyotrophic Lateral Sclerosis. Identifiers: Orphanet 275872, MedGen C5779877, MONDO:0007105, OMIM 105550.

Allele frequency attached by ClinVar (database versions not stated): gnomAD exomes below 0.00001; ExAC 0.00001.
gnomAD v4.1: 1 of 1,614,144 alleles (0.000062%); highest among the groups gnomAD compares: Admixed American, 0.0017%; no homozygotes.

Submission:

Labcorp Genetics (formerly Invitae), Labcorp
Classification: Uncertain significance for Paget disease of bone 2, early-onset; Frontotemporal dementia and/or amyotrophic lateral sclerosis 1. Last evaluated: 2023-07-31. Review status: criteria provided, single submitter. Criteria: Invitae Variant Classification Sherloc (09022015). Collection method: clinical testing. Allele origin: germline.
Comment: In summary, the available evidence is currently insufficient to determine the role of this variant in disease. Therefore, it has been classified as a Variant of Uncertain Significance. Advanced modeling of protein sequence and biophysical properties (such as structural, functional, and spatial information, amino acid conservation, physicochemical variation, residue mobility, and thermodynamic stability) performed at Invitae indicates that this missense variant is not expected to disrupt SQSTM1 protein function. ClinVar contains an entry for this variant (Variation ID: 1941905). This variant has not been reported in the literature in individuals affected with SQSTM1-related conditions. This variant is present in population databases (rs749308026, gnomAD 0.003%). This sequence change replaces aspartic acid, which is acidic and polar, with asparagine, which is neutral and polar, at codon 347 of the SQSTM1 protein (p.Asp347Asn).

NM_003900.5(SQSTM1):c.1039G>A (p.Asp347Asn)

Gene: SQSTM1 (sequestosome 1; plus strand). Cytogenetic location: 5q35.3.
Variant type: single nucleotide variant.
Coding change: c.1039G>A on transcript NM_003900.5 (MANE Select); coding-DNA position 1039, G replaced by A.
Protein change: p.Asp347Asn; replaces aspartic acid 347 with asparagine.
Molecular consequence: missense variant.
Genome position (GRCh38, 1-based): chr5:179,833,656, G>A. VCF-style: chr5-179833656-G-A. GRCh37 (hg19) VCF-style: chr5-179260656-G-A.
Other names: c.787G>A, p.Asp263Asn (NM_001142298.2, NM_001142299.2); short protein forms D347N, D263N.
Identifiers: ClinVar variation 1941905 (VCV001941905.5), dbSNP rs749308026, ClinGen allele CA3600785.